The following is an entry in ClinVar:

ClinVar aggregate classification (germline): Benign. Review status: criteria provided, multiple submitters, no conflicts (2 of 4 stars). 2 submissions from 2 submitters: Benign (2). Last evaluated 2018-06-19.

Allele frequency attached by ClinVar (database versions not stated): gnomAD exomes 0.00406; gnomAD 0.03692 and 0.03945; TOPMed 0.04304; 1000 Genomes Project 0.04353; 1000 Genomes Project 30x 0.04513.
gnomAD v4.1: 10,212 of 1,217,284 alleles (0.84%); highest among the groups gnomAD compares: African/African-American, 13%; 585 homozygotes.

Submissions (2):

GeneDx
Classification: Benign. Last evaluated: 2018-06-19. Review status: criteria provided, single submitter. Criteria: GeneDx Variant Classification (06012015). Collection method: clinical testing. Allele origin: germline. Affected: yes.
Comment: This variant is considered likely benign or benign based on one or more of the following criteria: it is a conservative change, it occurs at a poorly conserved position in the protein, it is predicted to be benign by multiple in silico algorithms, and/or has population frequency not consistent with disease.

Breakthrough Genomics
Classification: Benign. Review status: criteria provided, single submitter. Criteria: ACMG Guidelines, 2015. Collection method: not provided. Allele origin: germline. Inheritance: Autosomal recessive inheritance. Affected: yes.

NM_000540.3(RYR1):c.4293+121T>C

Gene: RYR1 (ryanodine receptor 1; plus strand). Cytogenetic location: 19q13.2.
Variant type: single nucleotide variant.
Coding change: c.4293+121T>C on transcript NM_000540.3 (MANE Select); 121 bases into the intron after coding-DNA position 4293, T replaced by C.
Molecular consequence: intron variant.
Genome position (GRCh38, 1-based): chr19:38,475,571, T>C. VCF-style: chr19-38475571-T-C. GRCh37 (hg19) VCF-style: chr19-38966211-T-C.
Other names: c.4293+121T>C (NM_001042723.2).
Identifiers: ClinVar variation 669188 (VCV000669188.2), dbSNP rs56942001, ClinGen allele CA308082993.
Genomic context (GRCh38, chr19:38,475,571, plus strand): 5'-TCCAAGTTTAGTGTGACAGTCCCCAGTAGCTGCCCACCTTACACTGGGGACTCCCCAATA[T>C]ACACTAGAAACTCATAAAATATGGCACACACAGATTTAATCCTTTGAACCCCTAAATCCA-3'